The following is an entry in ClinVar:

ClinVar aggregate classification (germline): Uncertain significance (1 of 4 stars; one submission).

Conditions:
Emery-Dreifuss muscular dystrophy (EDMD). Also called: Scapuloperoneal syndrome, X-linked (formerly); Humeroperoneal neuromuscular disease, (formerly). Identifiers: Orphanet 261, MedGen C0410189, MONDO:0016830.

Submission:

Labcorp Genetics (formerly Invitae), Labcorp
Classification: Uncertain significance for Emery-Dreifuss muscular dystrophy. Last evaluated: 2024-12-19. Review status: criteria provided, single submitter. Criteria: Invitae Variant Classification Sherloc (09022015). Collection method: clinical testing. Allele origin: germline.
Comment: This sequence change creates a premature translational stop signal (p.Phe644Leufs*37) in the SUN1 gene. It is expected to result in an absent or disrupted protein product. However, the current clinical and genetic evidence is not sufficient to establish whether loss-of-function variants in SUN1 cause disease. This variant is not present in population databases (gnomAD no frequency). This variant has not been reported in the literature in individuals affected with SUN1-related conditions. In summary, the available evidence is currently insufficient to determine the role of this variant in disease. Therefore, it has been classified as a Variant of Uncertain Significance.

NM_001130965.3(SUN1):c.1932del (p.Phe644fs)

Gene: SUN1 (Sad1 and UNC84 domain containing 1; plus strand). Cytogenetic location: 7p22.3.
Variant type: Deletion.
Coding change: c.1932del on transcript NM_001130965.3 (MANE Select); coding-DNA position 1932, one base deleted (T; older notation c.1932delT).
Protein change: p.Phe644fs; shifts the reading frame from phenylalanine 644.
Molecular consequence: frameshift variant. On other transcripts: non-coding transcript variant (3).
Genome position (GRCh38, 1-based): chr7:866,019, T deleted; the last of 3 consecutive T bases (chr7:866,017-866,019); deleting any one gives the same sequence. VCF-style (leftmost placement, unchanged base first): chr7-866016-GT-G. GRCh37 (hg19) VCF-style: chr7-905653-GT-G.
Other names: c.1623del, p.Phe541fs (NM_001171944.2); c.1932del, p.Phe644fs (NM_001367633.1, NM_001367634.1, NM_001367653.1); c.1581del, p.Phe527fs (NM_001367635.1); c.2172del, p.Phe724fs (NM_001367636.1, NM_001367691.1); c.2040del, p.Phe680fs (NM_001367638.1); c.1473del, p.Phe491fs (NM_001367639.1); c.2112del, p.Phe704fs (NM_001367640.1); c.2214del, p.Phe738fs (NM_001367641.1, NM_001367682.1); and 43 more; short protein forms F406fs, F455fs, F611fs, F618fs, F621fs, F622fs, F670fs, F681fs.
Identifiers: ClinVar variation 3727173 (VCV003727173.2).
Genomic context (GRCh38, chr7:866,016, plus strand): 5'-CAGCATCTTGAGTACTCGCTGTTCTGAAACTTACGAAACCAAAACGGCGCTGATGAGTCT[GT>G]TTGGGATCCCGCTGTGGTACTTCTCGCAGTCCCCGCGCGTGGTCATCCAGGTGAGTGGCC-3'